The following is an entry in ClinVar:

ClinVar aggregate classification (germline): Uncertain significance. Review status: criteria provided, multiple submitters, no conflicts (2 of 4 stars). 3 submissions from 3 submitters: Uncertain significance (2). 1 of the submissions does not count toward it. Last evaluated 2025-04-15.

Conditions:
Inborn genetic diseases. Identifiers: MedGen C0950123, MeSH D030342.
Fanconi anemia (FA). Also called: Fanconi's anemia. Identifiers: Orphanet 84, MedGen C0015625, MeSH D005199, MONDO:0019391.

Allele frequency attached by ClinVar (database versions not stated): gnomAD 0.00001; TOPMed below 0.00001.
gnomAD v4.1: 1 of 1,611,320 alleles (0.000062%); highest among the groups gnomAD compares: Admixed American, 0.0017%; no homozygotes.

Submissions (3):

Ambry Genetics
Classification: Uncertain significance for Inborn genetic diseases. Last evaluated: 2025-04-15. Review status: criteria provided, single submitter. Criteria: Ambry Variant Classification Scheme 2023. Collection method: clinical testing. Allele origin: germline.

Labcorp Genetics (formerly Invitae), Labcorp
Classification: Uncertain significance for Fanconi anemia. Last evaluated: 2023-08-10. Review status: criteria provided, single submitter. Criteria: Invitae Variant Classification Sherloc (09022015). Collection method: clinical testing. Allele origin: germline.
Comment: This sequence change replaces cysteine, which is neutral and slightly polar, with arginine, which is basic and polar, at codon 167 of the FANCA protein (p.Cys167Arg). In summary, the available evidence is currently insufficient to determine the role of this variant in disease. Therefore, it has been classified as a Variant of Uncertain Significance. Advanced modeling of protein sequence and biophysical properties (such as structural, functional, and spatial information, amino acid conservation, physicochemical variation, residue mobility, and thermodynamic stability) performed at Invitae indicates that this missense variant is expected to disrupt FANCA protein function. ClinVar contains an entry for this variant (Variation ID: 968391). This variant has not been reported in the literature in individuals affected with FANCA-related conditions. This variant is present in population databases (no rsID available, gnomAD 0.1%).

Natera, Inc.
Classification: Uncertain significance for Fanconi anemia. Last evaluated: 2020-07-25. Review status: no assertion criteria provided. Collection method: clinical testing. Allele origin: germline. Not counted in ClinVar's aggregate classification.

NM_000135.4(FANCA):c.499T>C (p.Cys167Arg)

Gene: FANCA (FA complementation group A; minus strand). Cytogenetic location: 16q24.3.
Variant type: single nucleotide variant.
Coding change: c.499T>C on transcript NM_000135.4 (MANE Select); coding-DNA position 499, T replaced by C.
Protein change: p.Cys167Arg; replaces cysteine 167 with arginine.
Molecular consequence: missense variant. On other transcripts: intron variant (1).
Genome position (GRCh38, 1-based): chr16:89,810,730, A>G on the plus strand (T>C on the coding strand, the complement: FANCA is on the minus strand). VCF-style: chr16-89810730-A-G. GRCh37 (hg19) VCF-style: chr16-89877138-A-G.
Other names: c.499T>C, p.Cys167Arg (NM_001018112.3, NM_001286167.3); c.426+199T>C (NM_001351830.2); short protein forms C167R.
Identifiers: ClinVar variation 968391 (VCV000968391.13), dbSNP rs1449541412, ClinGen allele CA397480689.